The following is an entry in ClinVar:

ClinVar aggregate classification (germline): Benign/Likely benign. Review status: criteria provided, multiple submitters, no conflicts (2 of 4 stars). 3 submissions from 3 submitters: Benign (1); Likely benign (2). Last evaluated 2024-12-17.

Conditions:
Hereditary cancer-predisposing syndrome. Also called: Hereditary Cancer Syndrome; Hereditary neoplastic syndrome; Neoplastic Syndromes, Hereditary; Tumor predisposition. Identifiers: Orphanet 140162, MedGen C0027672, MeSH D009386, MONDO:0015356.
Lynch syndrome 5 (LYNCH5). Also called: Hereditary non-polyposis colorectal cancer, type 5; Colorectal cancer, hereditary nonpolyposis, type 5. Identifiers: Orphanet 144, MedGen C1833477, MONDO:0013710, OMIM 614350. Disease mechanism: loss of function.
Hereditary nonpolyposis colorectal neoplasms. Identifiers: MedGen C0009405, MeSH D003123.

Submissions (3):

Myriad Genetics, Inc.
Classification: Benign for Lynch syndrome 5. Last evaluated: 2024-12-17. Review status: criteria provided, single submitter. Criteria: Myriad Autosomal Dominant, Autosomal Recessive and X-Linked Classification Criteria (2023). Collection method: clinical testing. Allele origin: unknown.
Comment: This variant is considered benign. This variant is a silent/synonymous amino acid change and it is not expected to impact splicing.

Ambry Genetics
Classification: Likely benign for Hereditary cancer-predisposing syndrome. Last evaluated: 2024-06-12. Review status: criteria provided, single submitter. Criteria: Ambry Variant Classification Scheme 2023. Collection method: clinical testing. Allele origin: germline.

Labcorp Genetics (formerly Invitae), Labcorp
Classification: Likely benign for Hereditary nonpolyposis colorectal neoplasms. Last evaluated: 2018-09-18. Review status: criteria provided, single submitter. Criteria: Invitae Variant Classification Sherloc (09022015). Collection method: clinical testing. Allele origin: germline.

NM_000179.3(MSH6):c.123T>G (p.Ser41=)

Gene: MSH6 (mutS homolog 6; plus strand). Cytogenetic location: 2p16.3.
Variant type: single nucleotide variant.
Coding change: c.123T>G on transcript NM_000179.3 (MANE Select); coding-DNA position 123, T replaced by G.
Protein change: p.Ser41=; no amino-acid change (serine 41 retained).
Molecular consequence: synonymous variant. On other transcripts: 5 prime UTR variant (1).
Genome position (GRCh38, 1-based): chr2:47,783,356, T>G. VCF-style: chr2-47783356-T-G. GRCh37 (hg19) VCF-style: chr2-48010495-T-G.
Other names: c.123T>G, p.Ser41= (NM_001281492.2); c.-614T>G (NM_001281493.2).
Identifiers: ClinVar variation 753230 (VCV000753230.11), dbSNP rs1572698100, ClinGen allele CA346734873.
Genomic context (GRCh38, chr2:47,783,356, plus strand): 5'-CAAGGCCTCGGCCAGGGCCTCACGCGAAGGCGGCCGTGCCGCCGCTGCCCCCGGGGCCTC[T>G]CCTTCCCCAGGCGGGGATGCGGCCTGGAGCGAGGCTGGGCCTGGGCCCAGGCCCTTGGCG-3'
Protein context (NP_000170.1, residues 31-51): GGRAAAAPGA[Ser41=]PSPGGDAAWS